The following is an entry in ClinVar:

ClinVar aggregate classification (germline): Uncertain significance (1 of 4 stars; one submission).

Submission:

Labcorp Genetics (formerly Invitae), Labcorp
Classification: Uncertain significance. Last evaluated: 2022-09-19. Review status: criteria provided, single submitter. Criteria: Invitae Variant Classification Sherloc (09022015). Collection method: clinical testing. Allele origin: germline.
Comment: This sequence change affects codon 515 of the ERCC6 mRNA. It is a 'silent' change, meaning that it does not change the encoded amino acid sequence of the ERCC6 protein. This variant is not present in population databases (gnomAD no frequency). This variant has not been reported in the literature in individuals affected with ERCC6-related conditions. ClinVar contains an entry for this variant (Variation ID: 1481322). Algorithms developed to predict the effect of sequence changes on RNA splicing suggest that this variant may create or strengthen a splice site. In summary, the available evidence is currently insufficient to determine the role of this variant in disease. Therefore, it has been classified as a Variant of Uncertain Significance.

NM_000124.4(ERCC6):c.1545T>G (p.Val515=)

Gene: ERCC6 (ERCC excision repair 6, chromatin remodeling factor; minus strand). Cytogenetic location: 10q11.23.
Variant type: single nucleotide variant.
Coding change: c.1545T>G on transcript NM_000124.4 (MANE Select); coding-DNA position 1545, T replaced by G.
Protein change: p.Val515=; no amino-acid change (valine 515 retained).
Molecular consequence: synonymous variant.
Genome position (GRCh38, 1-based): chr10:49,500,678, A>C on the plus strand (T>G on the coding strand, the complement: ERCC6 is on the minus strand). VCF-style: chr10-49500678-A-C. GRCh37 (hg19) VCF-style: chr10-50708724-A-C.
Other names: c.1545T>G, p.Val515= (NM_001346440.2).
Identifiers: ClinVar variation 1481322 (VCV001481322.5), dbSNP rs1385035634, ClinGen allele CA469604725.
Genomic context (GRCh38, chr10:49,500,678, plus strand): 5'-TCCCATTTCATCTCCCAGAATTCCTCCTGCCTGCTGGCAGTGCAATTCCCACAGCCACCT[A>C]ACACCTGTCTGCTGGTACCTATGACAACAAACACCAACAAGAAAAGAGAAAATGGCAAAT-3'
Protein context (NP_000115.1, residues 505-525): KKLFKYQQTG[Val515=]RWLWELHCQQ